The following is an entry in ClinVar:

ClinVar aggregate classification (germline): Uncertain significance. Review status: criteria provided, multiple submitters, no conflicts (2 of 4 stars). 2 submissions from 2 submitters: Uncertain significance (2). Last evaluated 2025-01-08.

Conditions:
Peripheral axonal neuropathy. Also called: Axonal neuropathy. Identifiers: MedGen C1263857, MONDO:0004183, HP:0003477.

Allele frequency attached by ClinVar (database versions not stated): gnomAD 0.00001.
gnomAD v4.1: 11 of 1,614,090 alleles (0.00068%); highest among the groups gnomAD compares: Admixed American, 0.0017%; no homozygotes.

Submissions (2):

Labcorp Genetics (formerly Invitae), Labcorp
Classification: Uncertain significance. Last evaluated: 2025-01-08. Review status: criteria provided, single submitter. Criteria: Invitae Variant Classification Sherloc (09022015). Collection method: clinical testing. Allele origin: germline.
Comment: This sequence change replaces histidine, which is basic and polar, with aspartic acid, which is acidic and polar, at codon 297 of the FBLN5 protein (p.His297Asp). This variant is present in population databases (rs777077185, gnomAD 0.003%). This missense change has been observed in individual(s) with clinical features of Charcot-Marie-Tooth disease (PMID: 32657593). ClinVar contains an entry for this variant (Variation ID: 816538). Invitae Evidence Modeling of protein sequence and biophysical properties (such as structural, functional, and spatial information, amino acid conservation, physicochemical variation, residue mobility, and thermodynamic stability) indicates that this missense variant is not expected to disrupt FBLN5 protein function with a negative predictive value of 80%. In summary, the available evidence is currently insufficient to determine the role of this variant in disease. Therefore, it has been classified as a Variant of Uncertain Significance.

Kariminejad - Najmabadi Pathology & Genetics Center
Classification: Uncertain significance for Peripheral axonal neuropathy. Review status: criteria provided, single submitter. Criteria: ACMG Guidelines, 2015. Collection method: clinical testing. Allele origin: germline. Affected: yes.

Literature cited by the submitters: PubMed 32657593 (cited by Labcorp Genetics (formerly Invitae), Labcorp).

NM_006329.4(FBLN5):c.889C>G (p.His297Asp)

Gene: FBLN5 (fibulin 5; minus strand). Cytogenetic location: 14q32.12.
Variant type: single nucleotide variant.
Coding change: c.889C>G on transcript NM_006329.4 (MANE Select); coding-DNA position 889, C replaced by G.
Protein change: p.His297Asp; replaces histidine 297 with aspartic acid.
Molecular consequence: missense variant.
Genome position (GRCh38, 1-based): chr14:91,881,392, G>C on the plus strand (C>G on the coding strand, the complement: FBLN5 is on the minus strand). VCF-style: chr14-91881392-G-C. GRCh37 (hg19) VCF-style: chr14-92347736-G-C.
Other names: c.1012C>G, p.His338Asp (NM_001384158.1); c.940C>G, p.His314Asp (NM_001384159.1); c.889C>G, p.His297Asp (NM_001384160.1); c.721C>G, p.His241Asp (NM_001384161.1, NM_001384162.1); short protein forms H297D, H241D, H314D, H338D.
Identifiers: ClinVar variation 816538 (VCV000816538.6), dbSNP rs777077185, ClinGen allele CA7312699.